The following is an entry in ClinVar:

ClinVar aggregate classification (germline): Uncertain significance. Review status: criteria provided, multiple submitters, no conflicts (2 of 4 stars). 4 submissions from 4 submitters: Uncertain significance (4). Last evaluated 2025-02-20.

Conditions:
Glycogen storage disease IXb (GSD9B). Also called: PHOSPHORYLASE KINASE DEFICIENCY OF LIVER AND MUSCLE, AUTOSOMAL RECESSIVE; GLYCOGENOSIS OF LIVER AND MUSCLE, AUTOSOMAL RECESSIVE; GSD IXb. Identifiers: Orphanet 79240, MedGen C0543514, MONDO:0009868, OMIM 261750.

Allele frequency attached by ClinVar (database versions not stated): TOPMed 0.00002; gnomAD 0.00003 and 0.00004; ExAC 0.00004; gnomAD exomes 0.00005 and 0.00012; ESP Exome Variant Server 0.00008.
gnomAD v4.1: 173 of 1,612,260 alleles (0.011%); highest among the groups gnomAD compares: Non-Finnish European, 0.014%; no homozygotes.

Submissions (4):

GeneDx
Classification: Uncertain significance. Last evaluated: 2025-02-20. Review status: criteria provided, single submitter. Criteria: GeneDx Variant Classification Process June 2021. Collection method: clinical testing. Allele origin: germline. Affected: yes.
Comment: In silico analysis indicates that this missense variant does not alter protein structure/function; Has not been previously published as pathogenic or benign to our knowledge

Labcorp Genetics (formerly Invitae), Labcorp
Classification: Uncertain significance for Glycogen storage disease IXb. Last evaluated: 2024-02-26. Review status: criteria provided, single submitter. Criteria: Invitae Variant Classification Sherloc (09022015). Collection method: clinical testing. Allele origin: germline.
Comment: This sequence change replaces phenylalanine, which is neutral and non-polar, with leucine, which is neutral and non-polar, at codon 252 of the PHKB protein (p.Phe252Leu). This variant is present in population databases (rs373920188, gnomAD 0.009%). This variant has not been reported in the literature in individuals affected with PHKB-related conditions. ClinVar contains an entry for this variant (Variation ID: 1426856). An algorithm developed to predict the effect of missense changes on protein structure and function (PolyPhen-2) suggests that this variant¬†is likely to be tolerated. In summary, the available evidence is currently insufficient to determine the role of this variant in disease. Therefore, it has been classified as a Variant of Uncertain Significance.

Women's Health and Genetics/Laboratory Corporation of America, LabCorp
Classification: Uncertain significance. Last evaluated: 2023-06-05. Review status: criteria provided, single submitter. Criteria: LabCorp Variant Classification Summary - May 2015. Collection method: clinical testing. Allele origin: germline.
Comment: Variant summary: PHKB c.754T>C (p.Phe252Leu) results in a non-conservative amino acid change located in the GH15-like domain (IPR011613) of the encoded protein sequence. Three of five in-silico tools predict a benign effect of the variant on protein function. The variant allele was found at a frequency of 4.8e-05 in 251308 control chromosomes (gnomAD). This frequency is not significantly higher than estimated for a pathogenic variant in PHKB causing Glycogen Phosphorylase Kinase Deficiency (4.8e-05 vs 0.0011), allowing no conclusion about variant significance. To our knowledge, no occurrence of c.754T>C in individuals affected with Glycogen Phosphorylase Kinase Deficiency and no experimental evidence demonstrating its impact on protein function have been reported. One clinical diagnostic laboratory has submitted a clinical-significance assessment for this variant to ClinVar after 2014, and classified it as uncertain significance. Based on the evidence outlined above, the variant was classified as uncertain significance.

Mayo Clinic Laboratories, Mayo Clinic
Classification: Uncertain significance. Last evaluated: 2023-01-26. Review status: criteria provided, single submitter. Criteria: ACMG Guidelines, 2015. Collection method: clinical testing. Allele origin: germline. Observed: 1 variant allele.

NM_000293.3(PHKB):c.754T>C (p.Phe252Leu)

Gene: PHKB (phosphorylase kinase regulatory subunit beta; plus strand). Cytogenetic location: 16q12.1.
Variant type: single nucleotide variant.
Coding change: c.754T>C on transcript NM_000293.3 (MANE Select); coding-DNA position 754, T replaced by C.
Protein change: p.Phe252Leu; replaces phenylalanine 252 with leucine.
Molecular consequence: missense variant.
Genome position (GRCh38, 1-based): chr16:47,580,338, T>C. VCF-style: chr16-47580338-T-C. GRCh37 (hg19) VCF-style: chr16-47614249-T-C.
Other names: p.Phe252Leu; c.733T>C, p.Phe245Leu (NM_001031835.3); c.754T>C, p.Phe252Leu (NM_001363837.1); c.754T>C (NM_000293.2); short protein forms F252L, F245L.
Identifiers: ClinVar variation 1426856 (VCV001426856.6), dbSNP rs373920188, ClinGen allele CA8040601.